The following is an entry in ClinVar:

ClinVar aggregate classification (germline): Pathogenic/Likely pathogenic. Review status: criteria provided, multiple submitters, no conflicts (2 of 4 stars). 10 submissions from 10 submitters: Pathogenic (2); Likely pathogenic (6). 2 of the submissions do not count toward it. Last evaluated 2026-09-17.

Conditions:
RNASEH2A-related disorder. Also called: RNASEH2A-related condition.
Aicardi Goutieres syndrome (AGS). Also called: Encephalopathy, familial infantile, with calcification of basal ganglia and chronic cerebrospinal fluid lymphocytosis. Identifiers: Orphanet 51, MedGen C0393591, MONDO:0018866.
Aicardi-Goutieres syndrome 4. Identifiers: Orphanet 51, MedGen C1835912, MONDO:0012472, OMIM 610333.

Allele frequency attached by ClinVar (database versions not stated): ExAC below 0.00001; gnomAD exomes 0.00003 and 0.00002; gnomAD 0.00001; TOPMed 0.00002.
gnomAD v4.1: 46 of 1,571,192 alleles (0.0029%); highest among the groups gnomAD compares: Non-Finnish European, 0.0038%; no homozygotes.

Submissions (10):

GeneDx
Classification: Pathogenic. Last evaluated: 2026-09-17. Review status: criteria provided, single submitter. Criteria: GeneDx Variant Classification Process June 2021. Collection method: clinical testing. Allele origin: germline.
Comment: RT-PCR analysis demonstrated that the c.69 G>A variant forms a new splice donor site resulting in an out-of-frame deletion at the end of exon 1 leading to a premature termination codon at amino acid 42 (PMID: 23592335); In silico analysis supports a deleterious effect on splicing; This variant is associated with the following publications: (PMID: 17846997, 21454563, 25604658, 23592335, 38575974, 31130681)

PreventionGenetics, part of Exact Sciences
Classification: Likely pathogenic for RNASEH2A-related condition. Last evaluated: 2026-06-23. Review status: criteria provided, single submitter. Criteria: ACMG Guidelines, 2015. Collection method: clinical testing. Allele origin: germline.
Comment: The RNASEH2A c.69G>A variant is not predicted to result in an amino acid change (p.=). This variant is predicted to impact splicing based on splicing prediction programs (SpliceAI, Jaganathan et al. 2019. PubMed ID: 30661751). This variant was reported in the compound heterozygous state in two individuals with Aicardi-Goutieres syndrome (Rice et al. 2013. PubMed ID: 23592335). RT-PCR studies in patient-derived cells revealed an aberrant mRNA transcript with altered exon 1 coding sequence that is predicted to result in a frameshift and premature protein termination (Rice et al. 2013. PubMed ID: 23592335). This variant is reported in 0.0040% of alleles in individuals of European (Non-Finnish) descent in gnomAD. This variant is interpreted as likely pathogenic.

Labcorp Genetics (formerly Invitae), Labcorp
Classification: Likely pathogenic for Aicardi-Goutieres syndrome 4. Last evaluated: 2025-07-13. Review status: criteria provided, single submitter. Criteria: Invitae Variant Classification Sherloc (09022015). Collection method: clinical testing. Allele origin: germline.
Comment: This sequence change affects codon 23 of the RNASEH2A mRNA. It is a 'silent' change, meaning that it does not change the encoded amino acid sequence of the RNASEH2A protein. RNA analysis indicates that this variant induces altered splicing and may result in an absent or altered protein product. This variant is present in population databases (rs397515480, gnomAD 0.004%). This variant has been observed in individuals with Aicardi-Goutieres syndrome (PMID: 23592335). ClinVar contains an entry for this variant (Variation ID: 66067). Studies have shown that this variant results in activation of a cryptic splice site, and produces a non-functional protein and/or introduces a premature termination codon (PMID: 23592335). In summary, the currently available evidence indicates that the variant is pathogenic, but additional data are needed to prove that conclusively. Therefore, this variant has been classified as Likely Pathogenic.

MVZ Medizinische Genetik Mainz
Classification: Likely pathogenic for Aicardi-Goutieres syndrome 4. Last evaluated: 2025-01-27. Review status: criteria provided, single submitter. Criteria: UK Practice Guidelines For Variant Classification V4 01 2020. Collection method: clinical testing. Allele origin: germline. Inheritance: Autosomal recessive inheritance. Affected: yes. Observed: 1 variant allele.
Comment: ACMG Criteria: PM3_STR,PS3_SUP,PM2_SUP,PP3

Fulgent Genetics
Classification: Likely pathogenic for Aicardi-Goutieres syndrome 4. Last evaluated: 2024-03-05. Review status: criteria provided, single submitter. Criteria: ACMG Guidelines, 2015. Collection method: clinical testing. Allele origin: germline.

Blueprint Genetics
Classification: Likely pathogenic for RNASEH2A-related disorders. Last evaluated: 2022-12-19. Review status: criteria provided, single submitter. Criteria: ACMG Guidelines, 2015. Collection method: clinical testing. Allele origin: germline. Affected: yes. Observed: 3 variant alleles.

Women's Health and Genetics/Laboratory Corporation of America, LabCorp
Classification: Likely pathogenic for Aicardi Goutieres syndrome. Last evaluated: 2021-09-09. Review status: criteria provided, single submitter. Criteria: LabCorp Variant Classification Summary - May 2015. Collection method: clinical testing. Allele origin: germline.
Comment: Variant summary: RNASEH2A c.69G>A alters a non-conserved nucleotide resulting in a synonymous change. Several computational tools predict a significant impact on normal splicing: four predict the variant creates a 5' donor site. At least one publication reported experimental evidence and demonstrated that in patient derived cells this variant variant resulted in altered mRNA splicing, causing an out of frame deletion, with the insertion of 20 amino acids followed by a premature stop codon at amino acid 42 (Rice_2013). The variant allele was found at a frequency of 1.7e-05 in 180420 control chromosomes (gnomAD). c.69G>A has been reported in the literature in at least three compound heterozygous individuals affected with Aicardi Goutieres Syndrome (Rice_2013, Crow_2015 and LOVD). These data indicate that the variant may be associated with disease. At least one publication reports experimental evidence evaluating an impact on protein function, and reported reduction of all three RNase H2 subunits and strongly reduced enzyme activity from patient derived cells (Rice_2013). One submitter have provided clinical-significance assessments for this variant in ClinVar after 2014 without evidence for independent evaluation, and classified the variant as pathogenic. Based on the evidence outlined above, the variant was classified as likely pathogenic.

Victorian Clinical Genetics Services, Murdoch Childrens Research Institute
Classification: Pathogenic for Aicardi-Goutieres syndrome 4. Last evaluated: 2021-05-06. Review status: criteria provided, single submitter. Criteria: ACMG Guidelines, 2015. Collection method: clinical testing. Allele origin: germline. Inheritance: Autosomal recessive inheritance. Affected: yes.
Comment: Based on the classification scheme VCGS_Germline_v1.3.4, this variant is classified as Pathogenic. Following criteria are met: 0102 - Loss of function is a known mechanism of disease in this gene and is associated with Aicardi-Goutieres syndrome 4 (MIM#610333). (I) 0106 - This gene is associated with autosomal recessive disease. (I) 0210 - Splice site variant proven to affect splicing of the transcript with a known effect on protein sequence. Analysis of patient cells by RT-PCR shows this variant results in the formation of a donor splice site within exon 1, leading to an out-of-frame shift in the reading frame and the formation of a protein predicted to undergo nonsense-mediated decay (NMD) (p.(Val23Alafs*21)) (PMID: 23592335). (SP) 0251 - This variant is heterozygous. (I) 0304 - Variant is present in gnomAD (v2) <0.01 for a recessive condition (3 heterozygotes, 0 homozygotes). (SP) 0703 - Other NMD-predicted variants comparable to the one identified in this case have moderate previous evidence for pathogenicity. These variants have been reported in several patients with Aicardi-Goutieres syndrome (ClinVar, PMID: 25604658). (SP) 0802 - This variant has moderate previous evidence of pathogenicity in unrelated individuals. This variant has been described as pathogenic, and reported in at least three unrelated families with Aicardi-Goutieres syndrome (ClinVar, PMID: 25604658, PMID: 23592335, PMID: 31130681). (SP) 0905 - No published segregation evidence has been identified for this variant. (I) 1002 - This variant has moderate functional evidence supporting abnormal protein function. Transfected lymphoblastoid cell lines have shown this variant resulted in significantly reduced enzyme activity (PMID: 23592335). (SP) 1101 - Very strong and specific phenotype match for this individual. (I) Legend: (SP) - Supporting pathogenic, (I) - Information, (SB) - Supporting benign

OMIM
Classification: Pathogenic for AICARDI-GOUTIERES SYNDROME 4. Last evaluated: 2011-05-13. Review status: no assertion criteria provided. Collection method: literature only. Allele origin: germline. Not counted in ClinVar's aggregate classification.

GeneReviews
No classification provided. Condition: Aicardi-Goutieres syndrome 4. Review status: no classification provided. Collection method: literature only. Allele origin: germline. Affected: yes. Not counted in ClinVar's aggregate classification.

Literature cited by the submitters: PubMed 23592335 (cited by 3 submitters); PubMed 25604658 (cited by Women's Health and Genetics/Laboratory Corporation of America, LabCorp and Victorian Clinical Genetics Services, Murdoch Childrens Research Institute); PubMed 31130681 (cited by Women's Health and Genetics/Laboratory Corporation of America, LabCorp and Victorian Clinical Genetics Services, Murdoch Childrens Research Institute); PubMed 17846997 (cited by Women's Health and Genetics/Laboratory Corporation of America, LabCorp and OMIM); PubMed 21454563 (cited by OMIM); NCBI Bookshelf NBK1475 (cited by GeneReviews).

NM_006397.3(RNASEH2A):c.69G>A (p.Val23=)

Genes: RNASEH2A (ribonuclease H2 subunit A; plus strand), LOC117038795 (CRISPRi-FlowFISH-validated PRDX2 regulatory element 4; plus strand). Cytogenetic location: 19p13.13.
Variant type: single nucleotide variant.
Coding change: c.69G>A on transcript NM_006397.3 (MANE Select); coding-DNA position 69, G replaced by A.
Protein change: p.Val23=; no amino-acid change (valine 23 retained).
Molecular consequence: synonymous variant.
Genome position (GRCh38, 1-based): chr19:12,806,742, G>A. VCF-style: chr19-12806742-G-A. GRCh37 (hg19) VCF-style: chr19-12917556-G-A.
Other names: V23V.
Identifiers: ClinVar variation 66067 (VCV000066067.18), dbSNP rs397515480, ClinGen allele CA345297.